The following is an entry in ClinVar:

NM_201548.5(CERKL):c.2T>G (p.Met1Arg)

Genes: CERKL (CERK like autophagy regulator; minus strand), LOC129935215 (ATAC-STARR-seq lymphoblastoid silent region 12158; plus strand). Cytogenetic location: 2q31.3.
Variant type: single nucleotide variant.
Coding change: c.2T>G on transcript NM_201548.5 (MANE Select); coding-DNA position 2, T replaced by G.
Protein change: p.Met1Arg; changes the start codon (methionine 1).
Molecular consequence: missense variant, initiator codon variant. On other transcripts: non-coding transcript variant (2).
Genome position (GRCh38, 1-based): chr2:181,657,005, A>C on the plus strand (T>G on the coding strand, the complement: CERKL is on the minus strand). VCF-style: chr2-181657005-A-C. GRCh37 (hg19) VCF-style: chr2-182521732-A-C.
Other names: c.2T>G, p.Met1Arg (NM_001030311.3, NM_001030312.3, NM_001030313.3 and 1 more transcripts); short protein forms M1R.
Identifiers: ClinVar variation 643636 (VCV000643636.10), dbSNP rs1187991259, ClinGen allele CA349746038.

ClinVar aggregate classification (germline): Pathogenic/Likely pathogenic. Review status: criteria provided, multiple submitters, no conflicts (2 of 4 stars). 3 submissions from 3 submitters: Pathogenic (1); Likely pathogenic (1). 1 of the submissions does not count toward it. Last evaluated 2026-01-11.

Conditions:
Retinitis pigmentosa 26 (RP26). Identifiers: Orphanet 791, MedGen C1842127, MONDO:0012024, OMIM 608380.
Retinitis pigmentosa (RP). Identifiers: Orphanet 791, MedGen C0035334, MeSH D012174, MONDO:0019200, OMIM 268000. Inheritance: Autosomal dominant, autosomal recessive and X linked inheritance.

Allele frequency attached by ClinVar (database versions not stated): gnomAD 0.00001.

Submissions (3):

Labcorp Genetics (formerly Invitae), Labcorp
Classification: Pathogenic. Last evaluated: 2026-01-11. Review status: criteria provided, single submitter. Criteria: Invitae Variant Classification Sherloc (09022015). Collection method: clinical testing. Allele origin: germline.
Comment: This sequence change affects the initiator codon of the CERKL mRNA. This change may impact translation initiation or efficiency. The next in-frame methionine is located at codon 206. This variant is not present in population databases (gnomAD no frequency). Disruption of the initiator codon has been observed in individual(s) with clinical features of retinitis pigmentosa (PMID: 31456290; internal data). In at least one individual the data is consistent with being in trans (on the opposite chromosome) from a pathogenic variant. ClinVar contains an entry for this variant (Variation ID: 643636). This variant disrupts a region of the CERKL protein in which other variant(s) (p.Cys125Trp) have been determined to be pathogenic (PMID: 20554613, 24498393, 29068140). This suggests that this is a clinically significant region of the protein, and that variants that disrupt it are likely to be disease-causing. For these reasons, this variant has been classified as Pathogenic.

Natera, Inc.
Classification: Likely pathogenic for Retinitis Pigmentosa 26. Last evaluated: 2024-08-13. Review status: criteria provided, single submitter. Criteria: Natera Variant Classification Schema (03/2026). Collection method: clinical testing. Allele origin: germline.
Comment: The c.2T>G variant in CERKL is predicted to result in start loss due to disruption of the initiator methionine. This variant is expected to result in nonsense mediated decay, truncation, or a dysfunctional protein product. This variant is rare in the general population with a frequency below the threshold expected for the associated phenotype(s). Given the available evidence, this variant is classified as Likely Pathogenic.

Sharon lab, Hadassah-Hebrew University Medical Center
Classification: Pathogenic for Retinitis pigmentosa. Last evaluated: 2019-06-23. Review status: no assertion criteria provided. Collection method: research. Allele origin: inherited. Affected: yes. Not counted in ClinVar's aggregate classification.

Literature cited by the submitters: PubMed 31456290 (cited by Labcorp Genetics (formerly Invitae), Labcorp); PubMed 20554613 (cited by Labcorp Genetics (formerly Invitae), Labcorp); PubMed 24498393 (cited by Labcorp Genetics (formerly Invitae), Labcorp); PubMed 29068140 (cited by Labcorp Genetics (formerly Invitae), Labcorp).